The following is an entry in ClinVar:

ClinVar aggregate classification (germline): Pathogenic (1 of 4 stars; one submission).

Conditions:
Familial adenomatous polyposis 1 (FAP1). Also called: FAMILIAL ADENOMATOUS POLYPOSIS 1, ATTENUATED; POLYPOSIS, ADENOMATOUS INTESTINAL. Identifiers: MedGen C2713442, MONDO:0021056, OMIM 175100. Disease mechanism: loss of function.

Submission:

Labcorp Genetics (formerly Invitae), Labcorp
Classification: Pathogenic for Familial adenomatous polyposis 1. Last evaluated: 2024-09-24. Review status: criteria provided, single submitter. Criteria: Invitae Variant Classification Sherloc (09022015). Collection method: clinical testing. Allele origin: germline.
Comment: This sequence change creates a premature translational stop signal (p.Thr1079*) in the APC gene. While this is not anticipated to result in nonsense mediated decay, it is expected to disrupt the last 1765 amino acid(s) of the APC protein. This variant is not present in population databases (gnomAD no frequency). This variant has not been reported in the literature in individuals affected with APC-related conditions. This variant is expected to disrupt the EB1 and HDLG binding sites, which mediate interactions with the cytoskeleton (PMID: 15311282, 17293347). While functional studies have not been performed to directly test the effect on APC protein function, this suggests that disruption of the C-terminal portion of the protein is functionally important. A different truncation (p.Tyr2645Lysfs*14) that lies downstream of this variant has been determined to be pathogenic (PMID: 9824584, 1316610, 27081525, 8381579, 22135120, internal data). This suggests that deletion of this region of the APC protein is causative of disease. For these reasons, this variant has been classified as Pathogenic.

Literature cited by the submitters: PubMed 15311282; PubMed 17293347; PubMed 9824584; PubMed 1316610; PubMed 27081525; PubMed 8381579; PubMed 22135120.

NM_000038.6(APC):c.3231_3232del (p.Tyr1078_Thr1079insTer)

Gene: APC (APC regulator of Wnt signaling pathway; plus strand). Cytogenetic location: 5q22.2.
Variant type: Deletion.
Coding change: c.3231_3232del on transcript NM_000038.6 (MANE Select); coding-DNA positions 3231 to 3232, 2 bases deleted (TT; older notation c.3231_3232delTT).
Protein change: p.Tyr1078_Thr1079insTer.
Molecular consequence: frameshift variant. On other transcripts: non-coding transcript variant (2).
Genome position (GRCh38, 1-based): chr5:112,838,825-112,838,826, TT deleted; deleting any 2 consecutive bases within chr5:112,838,824-112,838,826 gives the same sequence; the c. name uses the placement nearest the transcript's 3' end. VCF-style (leftmost placement, unchanged base first): chr5-112838823-GTT-G. GRCh37 (hg19) VCF-style: chr5-112174520-GTT-G.
Other names: c.3231_3232del, p.Tyr1078_Thr1079insTer (NM_001127510.3, NM_001354895.2, NM_001407450.1); c.3177_3178del, p.Tyr1060_Thr1061insTer (NM_001127511.3); c.3285_3286del, p.Tyr1096_Thr1097insTer (NM_001354896.2, NM_001407447.1, NM_001407448.1 and 1 more transcripts); c.3261_3262del, p.Tyr1088_Thr1089insTer (NM_001354897.2); c.3156_3157del, p.Tyr1053_Thr1054insTer (NM_001354898.2); c.3147_3148del, p.Tyr1050_Thr1051insTer (NM_001354899.2); c.3108_3109del, p.Tyr1037_Thr1038insTer (NM_001354900.2); c.3054_3055del, p.Tyr1019_Thr1020insTer (NM_001354901.2, NM_001407453.1); and 11 more.
Identifiers: ClinVar variation 3653284 (VCV003653284.2).